The following is an entry in ClinVar:

ClinVar aggregate classification (germline): Uncertain significance. Review status: criteria provided, multiple submitters, no conflicts (2 of 4 stars). 2 submissions from 2 submitters: Uncertain significance (2). Last evaluated 2025-05-23.

Conditions:
Diamond-Blackfan anemia 3 (DBA3). Also called: RPS24-Related Diamond-Blackfan Anemia. Identifiers: Orphanet 124, MedGen C1857719, MONDO:0012529, OMIM 610629.

Allele frequency attached by ClinVar (database versions not stated): 1000 Genomes Project 30x 0.00047; 1000 Genomes Project 0.00020; TOPMed 0.00016.
gnomAD v4.1: 83 of 1,551,656 alleles (0.0053%); highest among the groups gnomAD compares: African/African-American, 0.064%; no homozygotes.

Submissions (2):

GeneDx
Classification: Uncertain significance. Last evaluated: 2025-05-23. Review status: criteria provided, single submitter. Criteria: GeneDx Variant Classification Process June 2021. Collection method: clinical testing. Allele origin: germline. Affected: yes.
Comment: In silico analysis suggests that this missense variant does not alter protein structure/function; Has not been previously published as pathogenic or benign to our knowledge

Baylor Genetics
Classification: Uncertain significance for Diamond-Blackfan anemia 3. Last evaluated: 2020-06-20. Review status: criteria provided, single submitter. Criteria: ACMG Guidelines, 2015. Collection method: clinical testing. Allele origin: maternal. Affected: yes. Study: CSER-TexasKidsCanSeq.
Comment: This variant was determined to be of uncertain significance according to ACMG Guidelines, 2015 [PMID:25741868].

NM_001142285.2(RPS24):c.659C>T (p.Ala220Val)

Gene: RPS24 (ribosomal protein S24; plus strand). Cytogenetic location: 10q22.3.
Variant type: single nucleotide variant.
Coding change: c.659C>T on transcript NM_001142285.2; coding-DNA position 659, C replaced by T.
Protein change: p.Ala220Val; replaces alanine 220 with valine.
Molecular consequence: missense variant.
Genome position (GRCh38, 1-based): chr10:78,054,799, C>T. VCF-style: chr10-78054799-C-T. GRCh37 (hg19) VCF-style: chr10-79814557-C-T.
Other names: short protein forms A220V.
Identifiers: ClinVar variation 998289 (VCV000998289.3), dbSNP rs530358175, ClinGen allele CA210200938.
Genomic context (GRCh38, chr10:78,054,799, plus strand): 5'-AAAACAGAGAACAGTGCTGCCAGGCGTGCCTTTTGGAGAGGGCACTGGTCAGAAACGGAG[C>T]CTTCATGTCGCCTGCCTCACCTGCTCCTGCTGGTTCTCCCCACCCTGTGGACGGTGACTT-3'